The following is an entry in ClinVar:

NM_002337.4(LRPAP1):c.327G>A (p.Ala109=)

Gene: LRPAP1 (LDL receptor related protein associated protein 1; minus strand). Cytogenetic location: 4p16.3.
Variant type: single nucleotide variant.
Coding change: c.327G>A on transcript NM_002337.4 (MANE Select); coding-DNA position 327, G replaced by A.
Protein change: p.Ala109=; no amino-acid change (alanine 109 retained).
Molecular consequence: synonymous variant. On other transcripts: non-coding transcript variant (1).
Genome position (GRCh38, 1-based): chr4:3,524,929, C>T on the plus strand (G>A on the coding strand, the complement: LRPAP1 is on the minus strand). VCF-style: chr4-3524929-C-T. GRCh37 (hg19) VCF-style: chr4-3526656-C-T.
Identifiers: ClinVar variation 732263 (VCV000732263.6), dbSNP rs142669297, ClinGen allele CA2830063.

ClinVar aggregate classification (germline): Benign/Likely benign. Review status: criteria provided, multiple submitters, no conflicts (2 of 4 stars). 3 submissions from 3 submitters: Benign (2); Likely benign (1). Last evaluated 2024-12-12.

Conditions:
LRPAP1-related disorder. Also called: LRPAP1-related condition.

Allele frequency attached by ClinVar (database versions not stated): gnomAD exomes 0.00035 and 0.00101; ExAC 0.00124; gnomAD 0.00357 and 0.00380; 1000 Genomes Project 0.00359; ESP Exome Variant Server 0.00361; 1000 Genomes Project 30x 0.00390; TOPMed 0.00412.
gnomAD v4.1: 1,082 of 1,614,188 alleles (0.067%); highest among the groups gnomAD compares: African/African-American, 1.2%; 5 homozygotes.

Submissions (3):

PreventionGenetics, part of Exact Sciences
Classification: Benign for LRPAP1-related condition. Last evaluated: 2024-12-12. Review status: criteria provided, single submitter. Criteria: ACMG Guidelines, 2015. Collection method: clinical testing. Allele origin: germline.
Comment: This variant is classified as benign based on ACMG/AMP sequence variant interpretation guidelines (Richards et al. 2015 PMID: 25741868, with internal and published modifications).

Blueprint Genetics
Classification: Likely benign. Last evaluated: 2024-09-16. Review status: criteria provided, single submitter. Criteria: ACMG Guidelines, 2015. Collection method: clinical testing. Allele origin: germline.

Labcorp Genetics (formerly Invitae), Labcorp
Classification: Benign. Last evaluated: 2019-12-31. Review status: criteria provided, single submitter. Criteria: Invitae Variant Classification Sherloc (09022015). Collection method: clinical testing. Allele origin: germline.